The following is an entry in ClinVar:

ClinVar aggregate classification (germline): Uncertain significance (1 of 4 stars; one submission).

Conditions:
Intellectual developmental disorder 61. Also called: INTELLECTUAL DEVELOPMENTAL DISORDER, AUTOSOMAL DOMINANT 61; MENTAL RETARDATION, AUTOSOMAL DOMINANT 61. Identifiers: MedGen C5231400, MONDO:0032485, OMIM 618009.

Submission:

OLLIN Analises Genomicas, OLLIN
Classification: Uncertain significance for Intellectual developmental disorder 61. Last evaluated: 2026-02-13. Review status: criteria provided, single submitter. Criteria: ACMG Guidelines 2015 PMID 25741868. Collection method: clinical testing. Allele origin: germline. Observed: 1 variant allele.
Comment: PM2_P, PP3_S

NM_005121.3(MED13):c.392T>C (p.Leu131Ser)

Gene: MED13 (mediator complex subunit 13; minus strand). Cytogenetic location: 17q23.2.
Variant type: single nucleotide variant.
Coding change: c.392T>C on transcript NM_005121.3 (MANE Select); coding-DNA position 392, T replaced by C.
Protein change: p.Leu131Ser; replaces leucine 131 with serine.
Molecular consequence: missense variant.
Genome position (GRCh38, 1-based): chr17:62,052,615, A>G on the plus strand (T>C on the coding strand, the complement: MED13 is on the minus strand). VCF-style: chr17-62052615-A-G. GRCh37 (hg19) VCF-style: chr17-60129976-A-G.
Other names: short protein forms L131S.
Identifiers: ClinVar variation 4814089 (VCV004814089.1).